The following is an entry in ClinVar:

NM_006218.4(PIK3CA):c.330_332del (p.Lys111del)

Gene: PIK3CA (phosphatidylinositol-4,5-bisphosphate 3-kinase catalytic subunit alpha; plus strand). Cytogenetic location: 3q26.32.
Variant type: Deletion.
Coding change: c.330_332del on transcript NM_006218.4 (MANE Select); coding-DNA positions 330 to 332, 3 bases deleted (AAA; older notation c.330_332delAAA).
Protein change: p.Lys111del; deletes lysine 111.
Genome position (GRCh38, 1-based): chr3:179,199,155-179,199,157, AAA deleted; deleting any 3 consecutive bases within chr3:179,199,154-179,199,157 gives the same sequence; the c. name uses the placement nearest the transcript's 3' end. VCF-style (leftmost placement, unchanged base first): chr3-179199153-GAAA-G. GRCh37 (hg19) VCF-style: chr3-178916941-GAAA-G.
Other names: short protein forms K111del.
Identifiers: ClinVar variation 4974562 (VCV004974562.1).

ClinVar aggregate classification (germline): Likely pathogenic (1 of 4 stars; one submission).

Conditions:
PIK3CA related overgrowth syndrome. Also called: PIK3CA related overgrowth spectrum; PIK3CA-Related Segmental Overgrowth. Identifiers: Orphanet 530313, MedGen C4728213, MONDO:1040002.

Submission:

Clinical Genomics Laboratory, Washington University in St. Louis
Classification: Likely pathogenic for PIK3CA related overgrowth syndrome. Last evaluated: 2026-01-29. Review status: criteria provided, single submitter. Criteria: Leon-Quintero et al. (Clin Genet. 2025). Collection method: clinical testing. Allele origin: somatic. Affected: yes.
Comment: A PIK3CA c.330_332del (p.Lys111del) variant was identified at an allelic fraction consistent with somatic origin. This variant, to our knowledge, has not been reported in the medical literature in individuals with overgrowth syndrome. It has been reported in two cases of breast cancer and one case of endometrial cancer in the cancer database COSMIC (Genomic mutation ID: COSV55942921). It is absent from the general population (gnomAD v4.1.0), indicating it is not a common variant. The PIK3CA c.330_332del (p.Lys111del) variant is predicted to cause a change in the length of the protein due to an in-frame deletion of a single amino acid in a non-repeat region. Functional studies show that p.Lys111del results in increased transformation ability in two different cell lines in culture, and therefore, is predicted to lead to a gain of Pik3ca protein function (Ng PK et al., PMID: 29533785). Based on available information and an internally developed protocol informed by the ACMG/AMP guidelines for variant interpretation and gene-specific practices from the ClinGen Criteria Specification Registry (Leon-Quintero FZ et al., PMID: 39434542), the PIK3CA c.330_332del (p.Lys111del) variant is classified as likely pathogenic.